The following is an entry in ClinVar:

ClinVar aggregate classification (germline): Uncertain significance. Review status: criteria provided, multiple submitters, no conflicts (2 of 4 stars). 2 submissions from 2 submitters: Uncertain significance (2). Last evaluated 2024-09-14.

Conditions:
Hereditary cancer-predisposing syndrome. Also called: Tumor predisposition; Hereditary Cancer Syndrome; Neoplastic Syndromes, Hereditary; Hereditary neoplastic syndrome. Identifiers: Orphanet 140162, MedGen C0027672, MeSH D009386, MONDO:0015356.
Hereditary nonpolyposis colorectal neoplasms. Identifiers: MedGen C0009405, MeSH D003123.

Submissions (2):

Labcorp Genetics (formerly Invitae), Labcorp
Classification: Uncertain significance for Hereditary nonpolyposis colorectal neoplasms. Last evaluated: 2024-09-14. Review status: criteria provided, single submitter. Criteria: Invitae Variant Classification Sherloc (09022015). Collection method: clinical testing. Allele origin: germline.
Comment: This sequence change replaces methionine, which is neutral and non-polar, with leucine, which is neutral and non-polar, at codon 844 of the MSH6 protein (p.Met844Leu). This variant is not present in population databases (gnomAD no frequency). This variant has not been reported in the literature in individuals affected with MSH6-related conditions. ClinVar contains an entry for this variant (Variation ID: 1792694). Invitae Evidence Modeling of protein sequence and biophysical properties (such as structural, functional, and spatial information, amino acid conservation, physicochemical variation, residue mobility, and thermodynamic stability) indicates that this missense variant is not expected to disrupt MSH6 protein function with a negative predictive value of 95%. In summary, the available evidence is currently insufficient to determine the role of this variant in disease. Therefore, it has been classified as a Variant of Uncertain Significance.

Ambry Genetics
Classification: Uncertain significance for Hereditary cancer-predisposing syndrome. Last evaluated: 2022-10-27. Review status: criteria provided, single submitter. Criteria: Ambry Variant Classification Scheme 2023. Collection method: clinical testing. Allele origin: germline.
Comment: The p.M844L variant (also known as c.2530A>T), located in coding exon 4 of the MSH6 gene, results from an A to T substitution at nucleotide position 2530. The methionine at codon 844 is replaced by leucine, an amino acid with highly similar properties. This amino acid position is conserved. In addition, this alteration is predicted to be tolerated by in silico analysis. Since supporting evidence is limited at this time, the clinical significance of this alteration remains unclear.

NM_000179.3(MSH6):c.2530A>T (p.Met844Leu)

Gene: MSH6 (mutS homolog 6; plus strand). Cytogenetic location: 2p16.3.
Variant type: single nucleotide variant.
Coding change: c.2530A>T on transcript NM_000179.3 (MANE Select); coding-DNA position 2530, A replaced by T.
Protein change: p.Met844Leu; replaces methionine 844 with leucine.
Molecular consequence: missense variant.
Genome position (GRCh38, 1-based): chr2:47,800,513, A>T. VCF-style: chr2-47800513-A-T. GRCh37 (hg19) VCF-style: chr2-48027652-A-T.
Other names: c.2140A>T, p.Met714Leu (NM_001281492.2); c.1624A>T, p.Met542Leu (NM_001281493.2, NM_001281494.2, NM_001406811.1 and 6 more transcripts); c.2626A>T, p.Met876Leu (NM_001406795.1, NM_001406802.1); c.2530A>T, p.Met844Leu (NM_001406796.1, NM_001406798.1, NM_001406800.1 and 2 more transcripts); c.2233A>T, p.Met745Leu (NM_001406797.1, NM_001406801.1, NM_001406805.1 and 10 more transcripts); c.2005A>T, p.Met669Leu (NM_001406799.1, NM_001406806.1, NM_001406807.1); c.2452A>T, p.Met818Leu (NM_001406804.1); c.2536A>T, p.Met846Leu (NM_001406813.1); and 1 more; short protein forms M669L, M714L, M542L, M844L, M846L, M788L, M818L, M745L.
Identifiers: ClinVar variation 1792694 (VCV001792694.4), dbSNP rs2104411181, ClinGen allele CA346754442.